The following is an entry in ClinVar:

NM_000423.3(KRT2):c.407G>A (p.Gly136Glu)

Gene: KRT2 (keratin 2; minus strand). Cytogenetic location: 12q13.13.
Variant type: single nucleotide variant.
Coding change: c.407G>A on transcript NM_000423.3 (MANE Select); coding-DNA position 407, G replaced by A.
Protein change: p.Gly136Glu; replaces glycine 136 with glutamic acid.
Molecular consequence: missense variant.
Genome position (GRCh38, 1-based): chr12:52,651,736, C>T on the plus strand (G>A on the coding strand, the complement: KRT2 is on the minus strand). VCF-style: chr12-52651736-C-T. GRCh37 (hg19) VCF-style: chr12-53045520-C-T.
Other names: short protein forms G136E.
Identifiers: ClinVar variation 309619 (VCV000309619.8), dbSNP rs544732271, ClinGen allele CA6585841.

ClinVar aggregate classification (germline): Benign. Review status: criteria provided, multiple submitters, no conflicts (2 of 4 stars). 2 submissions from 2 submitters: Benign (2). Last evaluated 2025-03-05.

Conditions:
Ichthyosis bullosa of Siemens (IBS). Also called: Superficial epidermolytic ichthyosis. Identifiers: Orphanet 455, MedGen C0432306, MONDO:0007813, OMIM 146800.

Allele frequency attached by ClinVar (database versions not stated): gnomAD 0.00001 and 0.00025; TOPMed 0.00006; gnomAD exomes 0.00057 and 0.00118; ExAC 0.00136; 1000 Genomes Project 30x 0.00203; 1000 Genomes Project 0.00220.

Submissions (2):

Labcorp Genetics (formerly Invitae), Labcorp
Classification: Benign. Last evaluated: 2025-03-05. Review status: criteria provided, single submitter. Criteria: Invitae Variant Classification Sherloc (09022015). Collection method: clinical testing. Allele origin: germline.

Illumina Laboratory Services, Illumina
Classification: Benign for Ichthyosis bullosa of Siemens. Last evaluated: 2018-01-12. Review status: criteria provided, single submitter. Criteria: ICSL Variant Classification Criteria 13 December 2019. Collection method: clinical testing. Allele origin: germline.
Comment: This variant was observed in the ICSL laboratory as part of a predisposition screen in an ostensibly healthy population. It had not been previously curated by ICSL or reported in the Human Gene Mutation Database (HGMD: prior to June 1st, 2018), and was therefore a candidate for classification through an automated scoring system. Utilizing variant allele frequency, disease prevalence and penetrance estimates, and inheritance mode, an automated score was calculated to assess if this variant is too frequent to cause the disease. Based on the score and internal cut-off values, a variant classified as benign is not then subjected to further curation. The score for this variant resulted in a classification of benign for this disease.